The following is an entry in ClinVar:

ClinVar aggregate classification (germline): Uncertain significance (1 of 4 stars; one submission).

Submission:

Labcorp Genetics (formerly Invitae), Labcorp
Classification: Uncertain significance. Last evaluated: 2022-12-26. Review status: criteria provided, single submitter. Criteria: Invitae Variant Classification Sherloc (09022015). Collection method: clinical testing. Allele origin: germline.
Comment: Algorithms developed to predict the effect of missense changes on protein structure and function are either unavailable or do not agree on the potential impact of this missense change (SIFT: "Deleterious"; PolyPhen-2: "Probably Damaging"; Align-GVGD: "Class C0"). This variant has not been reported in the literature in individuals affected with IMPDH1-related conditions. This variant is not present in population databases (gnomAD no frequency). This sequence change replaces glycine, which is neutral and non-polar, with arginine, which is basic and polar, at codon 171 of the IMPDH1 protein (p.Gly171Arg). In summary, the available evidence is currently insufficient to determine the role of this variant in disease. Therefore, it has been classified as a Variant of Uncertain Significance.

NM_000883.4(IMPDH1):c.511G>A (p.Gly171Arg)

Gene: IMPDH1 (inosine monophosphate dehydrogenase 1; minus strand). Cytogenetic location: 7q32.1.
Variant type: single nucleotide variant.
Coding change: c.511G>A on transcript NM_000883.4 (MANE Select); coding-DNA position 511, G replaced by A.
Protein change: p.Gly171Arg; replaces glycine 171 with arginine.
Molecular consequence: missense variant. On other transcripts: intron variant (1).
Genome position (GRCh38, 1-based): chr7:128,400,885, C>T on the plus strand (G>A on the coding strand, the complement: IMPDH1 is on the minus strand). VCF-style: chr7-128400885-C-T. GRCh37 (hg19) VCF-style: chr7-128040939-C-T.
Other names: c.481G>A, p.Gly161Arg (NM_001102605.2); c.256G>A, p.Gly86Arg (NM_001142573.2, NM_001142574.2); c.412G>A, p.Gly138Arg (NM_001142576.2); c.304G>A, p.Gly102Arg (NM_001304521.2); c.403G>A, p.Gly135Arg (NM_183243.3); c.249+130G>A (NM_001142575.2); short protein forms G102R, G135R, G138R, G161R, G86R, G171R.
Identifiers: ClinVar variation 2824389 (VCV002824389.3), dbSNP rs2535768444, ClinGen allele CA369174221.